The following is an entry in ClinVar:

ClinVar aggregate classification (germline): Uncertain significance (1 of 4 stars; one submission).

Submission:

GeneDx
Classification: Uncertain significance. Last evaluated: 2025-01-10. Review status: criteria provided, single submitter. Criteria: GeneDx Variant Classification Process June 2021. Collection method: clinical testing. Allele origin: germline. Affected: yes.
Comment: Not observed at significant frequency in large population cohorts (gnomAD); In silico analysis supports that this missense variant has a deleterious effect on protein structure/function; Has not been previously published as pathogenic or benign to our knowledge

NM_005862.3(STAG1):c.2576T>C (p.Ile859Thr)

Gene: STAG1 (STAG1 cohesin complex component; minus strand). Cytogenetic location: 3q22.3.
Variant type: single nucleotide variant.
Coding change: c.2576T>C on transcript NM_005862.3 (MANE Select); coding-DNA position 2576, T replaced by C.
Protein change: p.Ile859Thr; replaces isoleucine 859 with threonine.
Molecular consequence: missense variant.
Genome position (GRCh38, 1-based): chr3:136,367,052, A>G on the plus strand (T>C on the coding strand, the complement: STAG1 is on the minus strand). VCF-style: chr3-136367052-A-G. GRCh37 (hg19) VCF-style: chr3-136085894-A-G.
Other names: short protein forms I859T.
Identifiers: ClinVar variation 4056954 (VCV004056954.1).